The following is an entry in ClinVar:

NM_024105.4(ALG12):c.1456del (p.Arg486fs)

Gene: ALG12 (ALG12 alpha-1,6-mannosyltransferase; minus strand). Cytogenetic location: 22q13.33.
Variant type: Deletion.
Coding change: c.1456del on transcript NM_024105.4 (MANE Select); coding-DNA position 1456, one base deleted (C; older notation c.1456delC).
Protein change: p.Arg486fs; shifts the reading frame from arginine 486.
Molecular consequence: frameshift variant.
Genome position (GRCh38, 1-based): chr22:49,903,849, G deleted on the plus strand (C on the coding strand, the reverse complement: ALG12 is on the minus strand); the first of 5 consecutive G bases (chr22:49,903,849-49,903,853); deleting any one gives the same sequence. VCF-style (leftmost placement, unchanged base first): chr22-49903848-CG-C. GRCh37 (hg19) VCF-style: chr22-50297496-CG-C.
Other names: c.1456delC (NM_024105.4); short protein forms R486fs.
Identifiers: ClinVar variation 1348932 (VCV001348932.9), dbSNP rs768823564, ClinGen allele CA10300210.

ClinVar aggregate classification (germline): Uncertain significance. Review status: criteria provided, multiple submitters, no conflicts (2 of 4 stars). 4 submissions from 4 submitters: Uncertain significance (4). Last evaluated 2025-10-31.

Conditions:
ALG12-congenital disorder of glycosylation (CDG1G). Also called: Congenital disorder of glycosylation, type Ig; CDG Ig; ALG12-CDG. Identifiers: Orphanet 79324, MedGen C2931001, MONDO:0011783, OMIM 607143.

Submissions (4):

Women's Health and Genetics/Laboratory Corporation of America, LabCorp
Classification: Uncertain significance. Last evaluated: 2025-10-31. Review status: criteria provided, single submitter. Criteria: LabCorp Variant Classification Summary - May 2015. Collection method: clinical testing. Allele origin: germline.
Comment: Variant summary: ALG12 c.1456delC (p.Arg486GlyfsX47) causes a frameshift which results in an extension of the protein. The variant allele was found at a frequency of 2.8e-05 in 250470 control chromosomes. The available data on variant occurrences in the general population are insufficient to allow any conclusion about variant significance. To our knowledge, no occurrence of c.1456delC in individuals affected with ALG12-related conditions and no experimental evidence demonstrating its impact on protein function have been reported. ClinVar contains an entry for this variant (Variation ID: 1348932). Based on the evidence outlined above, the variant was classified as uncertain significance.

GeneDx
Classification: Uncertain significance. Last evaluated: 2025-08-28. Review status: criteria provided, single submitter. Criteria: GeneDx Variant Classification Process June 2021. Collection method: clinical testing. Allele origin: germline. Affected: yes.
Comment: Frameshift variant predicted to result in abnormal protein length as the last 3 amino acid(s) are replaced with 46 different amino acid(s); Has not been previously published as pathogenic or benign to our knowledge

Dasa
Classification: Uncertain significance. Last evaluated: 2024-11-14. Review status: criteria provided, single submitter. Criteria: DASA Assertion Criteria. Collection method: clinical testing. Allele origin: germline.
Comment: NM_024105.4(ALG12):c.1456del (p.Arg486Glyfs*47) is a frameshift variant in ALG12 predicted to alter the reading frame and introduce a premature termination codon and is predicted to result in an absent or altered protein product. This variant is rare in population databases. The currently available literature and clinical evidence are not sufficient to establish a definitive association between this variant and the reported condition. Therefore, this variant is classified as a variant of uncertain significance.

Labcorp Genetics (formerly Invitae), Labcorp
Classification: Uncertain significance for ALG12-congenital disorder of glycosylation. Last evaluated: 2022-07-21. Review status: criteria provided, single submitter. Criteria: Invitae Variant Classification Sherloc (09022015). Collection method: clinical testing. Allele origin: germline.
Comment: This sequence change results in a frameshift in the ALG12 gene (p.Arg486Glyfs*47). While this is not anticipated to result in nonsense mediated decay, it is expected to disrupt the last 3 amino acid(s) of the ALG12 protein and extend the protein by 43 additional amino acid residues. This variant is present in population databases (rs768823564, gnomAD 0.03%). This variant has not been reported in the literature in individuals affected with ALG12-related conditions. ClinVar contains an entry for this variant (Variation ID: 1348932). Experimental studies and prediction algorithms are not available or were not evaluated, and the functional significance of this variant is currently unknown. In summary, the available evidence is currently insufficient to determine the role of this variant in disease. Therefore, it has been classified as a Variant of Uncertain Significance.